The following is an entry in ClinVar:

NM_017534.6(MYH2):c.2565G>A (p.Met855Ile)

Genes: MYHAS (myosin heavy chain gene cluster antisense RNA; plus strand), MYH2 (myosin heavy chain 2; minus strand). Cytogenetic location: 17p13.1.
Variant type: single nucleotide variant.
Coding change: c.2565G>A on transcript NM_017534.6 (MANE Select); coding-DNA position 2565, G replaced by A.
Protein change: p.Met855Ile; replaces methionine 855 with isoleucine.
Molecular consequence: missense variant.
Genome position (GRCh38, 1-based): chr17:10,531,765, C>T on the plus strand (G>A on the coding strand, the complement: MYH2 is on the minus strand). VCF-style: chr17-10531765-C-T. GRCh37 (hg19) VCF-style: chr17-10435082-C-T.
Other names: c.2565G>A, p.Met855Ile (NM_001100112.2); short protein forms M855I.
Identifiers: ClinVar variation 195692 (VCV000195692.56), dbSNP rs184494954, ClinGen allele CA242220.
Genomic context (GRCh38, chr17:10,531,765, plus strand): 5'-TTTTGCCTCTGACTTGGCAAGTTCGTCTTTAATTTTCTGAAATTCTTCCTTCATGGTGGC[C>T]ATCTCCTTCTCAGTTTCTGCACTCTTCAACAGAGGCTTGATCTTGAAGAAGAGTTTCATC-3'
Protein context (NP_060004.3, residues 845-865): LLKSAETEKE[Met855Ile]ATMKEEFQKI

ClinVar aggregate classification (germline): Uncertain significance. Review status: criteria provided, multiple submitters, no conflicts (2 of 4 stars). 6 submissions from 6 submitters: Uncertain significance (6). Last evaluated 2025-08-27.

Conditions:
Inborn genetic diseases. Identifiers: MedGen C0950123, MeSH D030342.
Myopathy, proximal, and ophthalmoplegia (CMYO6). Also called: MYOPATHY WITH CONGENITAL JOINT CONTRACTURES, OPHTHALMOPLEGIA, AND RIMMED VACUOLES; INCLUSION BODY MYOPATHY 3, AUTOSOMAL DOMINANT; CONGENITAL MYOPATHY 6 WITH OPHTHALMOPLEGIA. Identifiers: Orphanet 363677, Orphanet 79091, MedGen C1854106, MONDO:0011577, OMIM 605637.

Allele frequency attached by ClinVar (database versions not stated): ExAC 0.00010; gnomAD exomes 0.00010; gnomAD 0.00011 and 0.00012; TOPMed 0.00012; 1000 Genomes Project 30x 0.00031; 1000 Genomes Project 0.00040.
gnomAD v4.1: 179 of 1,614,184 alleles (0.011%); highest among the groups gnomAD compares: Admixed American, 0.023%; no homozygotes.

Submissions (6):

Labcorp Genetics (formerly Invitae), Labcorp
Classification: Uncertain significance for Myopathy, proximal, and ophthalmoplegia. Last evaluated: 2025-08-27. Review status: criteria provided, single submitter. Criteria: Invitae Variant Classification Sherloc (09022015). Collection method: clinical testing. Allele origin: germline.
Comment: This sequence change replaces methionine, which is neutral and non-polar, with isoleucine, which is neutral and non-polar, at codon 855 of the MYH2 protein (p.Met855Ile). This variant is present in population databases (rs184494954, gnomAD 0.03%). This variant has not been reported in the literature in individuals affected with MYH2-related conditions. ClinVar contains an entry for this variant (Variation ID: 195692). Invitae Evidence Modeling of protein sequence and biophysical properties (such as structural, functional, and spatial information, amino acid conservation, physicochemical variation, residue mobility, and thermodynamic stability) indicates that this missense variant is not expected to disrupt MYH2 protein function with a negative predictive value of 80%. In summary, the available evidence is currently insufficient to determine the role of this variant in disease. Therefore, it has been classified as a Variant of Uncertain Significance.

GeneDx
Classification: Uncertain significance. Last evaluated: 2025-05-06. Review status: criteria provided, single submitter. Criteria: GeneDx Variant Classification Process June 2021. Collection method: clinical testing. Allele origin: germline.
Comment: In silico analysis suggests that this missense variant does not alter protein structure/function; Has not been previously published as pathogenic or benign to our knowledge

Ambry Genetics
Classification: Uncertain significance for Inborn genetic diseases. Last evaluated: 2023-10-30. Review status: criteria provided, single submitter. Criteria: Ambry Variant Classification Scheme 2023. Collection method: clinical testing. Allele origin: germline.

Revvity Omics, Revvity
Classification: Uncertain significance for Myopathy, proximal, and ophthalmoplegia. Last evaluated: 2023-09-27. Review status: criteria provided, single submitter. Criteria: ACMG Guidelines, 2015. Collection method: clinical testing. Allele origin: germline.

CeGaT Center for Human Genetics Tuebingen
Classification: Uncertain significance. Last evaluated: 2021-01-01. Review status: criteria provided, single submitter. Criteria: CeGaT Center For Human Genetics Tuebingen Variant Classification Criteria Version 2. Collection method: clinical testing. Allele origin: germline. Affected: yes. Observed: 2 variant alleles.

Eurofins Ntd Llc (ga)
Classification: Uncertain significance. Last evaluated: 2014-08-06. Review status: criteria provided, single submitter. Criteria: EGL Classification Definitions 2015. Collection method: clinical testing. Allele origin: germline. Observed: 1 variant allele, 1 heterozygote.